The following is an entry in ClinVar:

ClinVar aggregate classification (germline): Uncertain significance (1 of 4 stars; one submission).

Conditions:
Myofibrillar myopathy 5. Also called: Filaminopathy (type); FILAMINOPATHY, AUTOSOMAL DOMINANT. Identifiers: Orphanet 171445, MedGen C1836050, MONDO:0012289, OMIM 609524.
Hypertrophic cardiomyopathy 26. Also called: Cardiomyopathy, familial hypertrophic, 26. Identifiers: Orphanet 75249, MedGen C4310749, MONDO:0014883, OMIM 617047.
Distal myopathy with posterior leg and anterior hand involvement. Also called: WILLIAMS DISTAL MYOPATHY. Identifiers: Orphanet 63273, MedGen C3279722, MONDO:0013550, OMIM 614065.

Submission:

Labcorp Genetics (formerly Invitae), Labcorp
Classification: Uncertain significance for Distal myopathy with posterior leg and anterior hand involvement; Myofibrillar myopathy 5; Hypertrophic cardiomyopathy 26. Last evaluated: 2023-02-11. Review status: criteria provided, single submitter. Criteria: Invitae Variant Classification Sherloc (09022015). Collection method: clinical testing. Allele origin: germline.
Comment: Advanced modeling of protein sequence and biophysical properties (such as structural, functional, and spatial information, amino acid conservation, physicochemical variation, residue mobility, and thermodynamic stability) has been performed at Invitae for this missense variant, however the output from this modeling did not meet the statistical confidence thresholds required to predict the impact of this variant on FLNC protein function. In summary, the available evidence is currently insufficient to determine the role of this variant in disease. Therefore, it has been classified as a Variant of Uncertain Significance. This variant is not present in population databases (gnomAD no frequency). This variant has not been reported in the literature in individuals affected with FLNC-related conditions. This sequence change replaces proline, which is neutral and non-polar, with serine, which is neutral and polar, at codon 1030 of the FLNC protein (p.Pro1030Ser).

NM_001458.5(FLNC):c.3088C>T (p.Pro1030Ser)

Gene: FLNC (filamin C; plus strand). Cytogenetic location: 7q32.1.
Variant type: single nucleotide variant.
Coding change: c.3088C>T on transcript NM_001458.5 (MANE Select); coding-DNA position 3088, C replaced by T.
Protein change: p.Pro1030Ser; replaces proline 1030 with serine.
Molecular consequence: missense variant.
Genome position (GRCh38, 1-based): chr7:128,844,162, C>T. VCF-style: chr7-128844162-C-T. GRCh37 (hg19) VCF-style: chr7-128484216-C-T.
Other names: c.3088C>T, p.Pro1030Ser (NM_001127487.2); short protein forms P1030S.
Identifiers: ClinVar variation 2927403 (VCV002927403.3), dbSNP rs1554399034, ClinGen allele CA369194277.